The following is an entry in ClinVar:

NM_021096.4(CACNA1I):c.5522G>A (p.Cys1841Tyr)

Gene: CACNA1I (calcium voltage-gated channel subunit alpha1 I; plus strand). Cytogenetic location: 22q13.1.
Variant type: single nucleotide variant.
Coding change: c.5522G>A on transcript NM_021096.4 (MANE Select); coding-DNA position 5522, G replaced by A.
Protein change: p.Cys1841Tyr; replaces cysteine 1841 with tyrosine.
Molecular consequence: missense variant.
Genome position (GRCh38, 1-based): chr22:39,679,849, G>A. VCF-style: chr22-39679849-G-A. GRCh37 (hg19) VCF-style: chr22-40075854-G-A.
Other names: c.5417G>A, p.Cys1806Tyr (NM_001003406.2); short protein forms C1806Y, C1841Y.
Identifiers: ClinVar variation 2499716 (VCV002499716.1), dbSNP rs548249270, ClinGen allele CA10244999.
Genomic context (GRCh38, chr22:39,679,849, plus strand): 5'-TCGACAACCTGTCGGGCTCCATCTTCCACCACTACTCCTCGCCTGCCGGCTGCAAGAAGT[G>A]TCACCACGACAAGCAAGAGGTAATGGCAGCCCGGGAGGCCTGGCCCCTTGTGGCAGGGGC-3'
Protein context (NP_066919.2, residues 1831-1851): HYSSPAGCKK[Cys1841Tyr]HHDKQEVQLA

ClinVar aggregate classification (germline): Uncertain significance (1 of 4 stars; one submission).

Allele frequency attached by ClinVar (database versions not stated): gnomAD 0.00001; TOPMed 0.00001; ExAC 0.00002; 1000 Genomes Project 0.00020; 1000 Genomes Project 30x 0.00031.
gnomAD v4.1: 2 of 1,612,618 alleles (0.00012%); highest among the groups gnomAD compares: African/African-American, 0.0027%; no homozygotes.

Submission:

GeneDx
Classification: Uncertain significance. Last evaluated: 2022-10-18. Review status: criteria provided, single submitter. Criteria: GeneDx Variant Classification Process June 2021. Collection method: clinical testing. Allele origin: germline. Affected: yes.
Comment: In silico analysis supports that this missense variant has a deleterious effect on protein structure/function; Has not been previously published as pathogenic or benign to our knowledge